The following is an entry in ClinVar:

ClinVar aggregate classification (germline): Uncertain significance. Review status: criteria provided, multiple submitters, no conflicts (2 of 4 stars). 3 submissions from 3 submitters: Uncertain significance (3). Last evaluated 2025-04-11.

Conditions:
Cardiovascular phenotype. Identifiers: MedGen CN230736.
Duchenne muscular dystrophy (DMD). Also called: MUSCULAR DYSTROPHY, PSEUDOHYPERTROPHIC PROGRESSIVE, DUCHENNE TYPE; Duchenne Muscular Dystrophy (DMD). Identifiers: Orphanet 98896, MedGen C0013264, MONDO:0010679, OMIM 310200.

Submissions (3):

Labcorp Genetics (formerly Invitae), Labcorp
Classification: Uncertain significance for Duchenne muscular dystrophy. Last evaluated: 2025-04-11. Review status: criteria provided, single submitter. Criteria: Invitae Variant Classification Sherloc (09022015). Collection method: clinical testing. Allele origin: germline.
Comment: This sequence change replaces lysine, which is basic and polar, with asparagine, which is neutral and polar, at codon 710 of the DMD protein (p.Lys710Asn). This variant is not present in population databases (gnomAD no frequency). This variant has not been reported in the literature in individuals affected with DMD-related conditions. ClinVar contains an entry for this variant (Variation ID: 1008232). Invitae Evidence Modeling of protein sequence and biophysical properties (such as structural, functional, and spatial information, amino acid conservation, physicochemical variation, residue mobility, and thermodynamic stability) indicates that this missense variant is not expected to disrupt DMD protein function with a negative predictive value of 95%. In summary, the available evidence is currently insufficient to determine the role of this variant in disease. Therefore, it has been classified as a Variant of Uncertain Significance.

Women's Health and Genetics/Laboratory Corporation of America, LabCorp
Classification: Uncertain significance. Last evaluated: 2025-01-22. Review status: criteria provided, single submitter. Criteria: LabCorp Variant Classification Summary - May 2015. Collection method: clinical testing. Allele origin: germline.

Ambry Genetics
Classification: Uncertain significance for Cardiovascular phenotype. Last evaluated: 2024-08-30. Review status: criteria provided, single submitter. Criteria: Ambry Variant Classification Scheme 2023. Collection method: clinical testing. Allele origin: germline.
Comment: The p.K710N variant (also known as c.2130G>T), located in coding exon 17 of the DMD gene, results from a G to T substitution at nucleotide position 2130. The lysine at codon 710 is replaced by asparagine, an amino acid with similar properties. This amino acid position is highly conserved in available vertebrate species. In addition, this alteration is predicted to be tolerated by in silico analysis. Based on the available evidence, the clinical significance of this variant remains unclear.

NM_004006.3(DMD):c.2130G>T (p.Lys710Asn)

Gene: DMD (dystrophin; minus strand). Cytogenetic location: Xp21.1.
Variant type: single nucleotide variant.
Coding change: c.2130G>T on transcript NM_004006.3 (MANE Select); coding-DNA position 2130, G replaced by T.
Protein change: p.Lys710Asn; replaces lysine 710 with asparagine.
Molecular consequence: missense variant.
Genome position (GRCh38, 1-based): chrX:32,545,197, C>A on the plus strand (G>T on the coding strand, the complement: DMD is on the minus strand). VCF-style: chrX-32545197-C-A. GRCh37 (hg19) VCF-style: chrX-32563314-C-A.
Other names: c.2106G>T, p.Lys702Asn (NM_000109.4); c.2118G>T, p.Lys706Asn (NM_004009.3); c.1761G>T, p.Lys587Asn (NM_004010.3); c.2130G>T (NM_004006.2); short protein forms K587N, K702N, K706N, K710N.
Identifiers: ClinVar variation 1008232 (VCV001008232.6), dbSNP rs1209997926, ClinGen allele CA412667704.
Genomic context (GRCh38, chrX:32,545,197, plus strand): 5'-TAAAAGCTTAAGATGCTCTCACCTTTTCCTAATTTCAGAATCCACAGTAATCTGCCTCTT[C>A]TTTTGGGGAGGTGGTGGTGGAAGTTCCTCTTGAGCATGCTTTACCAGGATCTGTTCCCTT-3'
Protein context (NP_003997.2, residues 700-720): QEELPPPPPQ[Lys710Asn]KRQITVDSEI